The following is an entry in ClinVar:

NM_001273.5(CHD4):c.3338A>G (p.Asn1113Ser)

Gene: CHD4 (chromodomain helicase DNA binding protein 4; minus strand). Cytogenetic location: 12p13.31.
Variant type: single nucleotide variant.
Coding change: c.3338A>G on transcript NM_001273.5 (MANE Select); coding-DNA position 3338, A replaced by G.
Protein change: p.Asn1113Ser; replaces asparagine 1113 with serine.
Molecular consequence: missense variant.
Genome position (GRCh38, 1-based): chr12:6,591,468, T>C on the plus strand (A>G on the coding strand, the complement: CHD4 is on the minus strand). VCF-style: chr12-6591468-T-C. GRCh37 (hg19) VCF-style: chr12-6700634-T-C.
Other names: c.3317A>G, p.Asn1106Ser (NM_001297553.2); c.3299A>G, p.Asn1100Ser (NM_001363606.2); short protein forms N1100S, N1106S, N1113S.
Identifiers: ClinVar variation 1806223 (VCV001806223.3), dbSNP rs2540395856, ClinGen allele CA383584855.

ClinVar aggregate classification (germline): Conflicting classifications of pathogenicity. Review status: criteria provided, conflicting classifications (1 of 4 stars). 2 submissions from 2 submitters: Likely pathogenic (1); Uncertain significance (1). Last evaluated 2026-08-06.

Conditions:
Sifrim-Hitz-Weiss syndrome (SIHIWES). Also called: SIFRIM-HITZ-WEISS MULTIPLE CONGENITAL ANOMALIES-MENTAL RETARDATION SYNDROME; CHD4 Neurodevelopmental Disorder. Identifiers: Orphanet 653712, MedGen C4310688, MONDO:0014946, OMIM 617159.

Allele frequency attached by ClinVar (database versions not stated): gnomAD exomes below 0.00001.
gnomAD v4.1: 4 of 1,613,062 alleles (0.00025%); highest among the groups gnomAD compares: Non-Finnish European, 0.00025%; no homozygotes.

Submissions (2):

OLLIN Analises Genomicas, OLLIN
Classification: Uncertain significance for Sifrim-Hitz-Weiss syndrome. Last evaluated: 2026-08-06. Review status: criteria provided, single submitter. Criteria: ACMG Guidelines 2015 PMID 25741868. Collection method: clinical testing. Allele origin: germline. Inheritance: Autosomal dominant inheritance.
Comment: This missense variant, located in exon 22 (of 40), has been reported in ClinVar (accession VCV001806223.2) and in gnomAD with an allele frequency of 0.00025%. However, to our knowledge, it has not been reported in the scientific literature. In silico analysis predicts that this variant has a deleterious effect. This gene is constrained for missense variation. According to the currently available evidence, this variant has been classified as uncertain significance (PP2, PP3_M).

Victorian Clinical Genetics Services, Murdoch Childrens Research Institute
Classification: Likely pathogenic for Sifrim-Hitz-Weiss syndrome. Last evaluated: 2020-05-21. Review status: criteria provided, single submitter. Criteria: ACMG Guidelines, 2015. Collection method: clinical testing. Allele origin: germline. Inheritance: Autosomal dominant inheritance. Affected: yes.
Comment: Based on the classification scheme VCGS_Germline_v1.1.1, this variant is classified as likely pathogenic. Following criteria are met: 0102 - Loss-of-function is a known mechanism of disease for this gene. (N) 0107 - This gene is known to be associated with autosomal dominant disease. (N) 0200 - Variant is predicted to result in a missense amino acid change from asparagine to serine (exon 22). (N) 0251 - Variant is heterozygous. (N) 0301 - Variant is absent from gnomAD. (P) 0502 - Missense variant with conflicting in silico predictions and/or uninformative conservation. (N) 0600 - Variant is located in an annotated domain or motif (Helicase domain; PDB). (N) 0603 - Missense variant in a region that is highly intolerant to missense variation (high constraint region). (P) 0705 - No comparable variants have previous evidence for pathogenicity. (N) 0807 - Variant has not previously been reported in a clinical context. (N) 0905 - No segregation evidence has been identified for this variant. (N) 1007 - No published functional evidence has been identified for this variant. (P) Legend: (P) - Pathogenic, (N) - Neutral, (B) - Benign